The following is an entry in ClinVar:

ClinVar aggregate classification (germline): Conflicting classifications of pathogenicity. Review status: criteria provided, conflicting classifications (1 of 4 stars). 7 submissions from 7 submitters: Uncertain significance (1); Benign (4); Likely benign (2). Last evaluated 2026-07-01.

Conditions:
Spastic paraplegia. Identifiers: MedGen C0037772, HP:0001258.
Hereditary spastic paraplegia. Also called: Familial spastic paraparesis. Identifiers: Orphanet 685, MedGen C0037773, MONDO:0019064. Disease mechanism: loss of function.
Hereditary spastic paraplegia 15 (SPG15). Also called: KJELLIN SYNDROME; SPASTIC PARAPLEGIA 15, AUTOSOMAL RECESSIVE; SPASTIC PARAPLEGIA AND RETINAL DEGENERATION. Identifiers: Orphanet 100996, MedGen C1849128, MONDO:0010044, OMIM 270700.

Allele frequency attached by ClinVar (database versions not stated): 1000 Genomes Project 30x 0.00156; 1000 Genomes Project 0.00180; ExAC 0.00255; ESP Exome Variant Server 0.00261; TOPMed 0.00273; gnomAD exomes 0.00293 and 0.00315; gnomAD 0.00307 and 0.00319.
gnomAD v4.1: 5,040 of 1,614,242 alleles (0.31%); highest among the groups gnomAD compares: Non-Finnish European, 0.33%; 21 homozygotes.

Submissions (7):

CeGaT Center for Human Genetics Tuebingen
Classification: Likely benign. Last evaluated: 2026-07-01. Review status: criteria provided, single submitter. Criteria: CeGaT Center For Human Genetics Tuebingen Variant Classification Criteria Version 2. Collection method: clinical testing. Allele origin: germline. Affected: yes. Observed: 16 variant alleles.
Comment: ZFYVE26: BP4, BS2

Labcorp Genetics (formerly Invitae), Labcorp
Classification: Benign for Spastic paraplegia. Last evaluated: 2026-01-28. Review status: criteria provided, single submitter. Criteria: Invitae Variant Classification Sherloc (09022015). Collection method: clinical testing. Allele origin: germline.

Athena Diagnostics
Classification: Benign. Last evaluated: 2023-12-29. Review status: criteria provided, single submitter. Criteria: Athena Diagnostics Criteria. Collection method: clinical testing. Allele origin: unknown.

Genome Diagnostics Laboratory, The Hospital for Sick Children
Classification: Likely benign for Hereditary spastic paraplegia. Last evaluated: 2021-03-16. Review status: criteria provided, single submitter. Criteria: ACMG Guidelines, 2015. Collection method: clinical testing. Allele origin: germline. Affected: yes.

Mayo Clinic Laboratories, Mayo Clinic
Classification: Benign for Hereditary spastic paraplegia 15. Last evaluated: 2019-11-12. Review status: criteria provided, single submitter. Criteria: ACMG Guidelines, 2015. Collection method: clinical testing. Allele origin: paternal.

GeneDx
Classification: Benign. Last evaluated: 2018-08-13. Review status: criteria provided, single submitter. Criteria: GeneDx Variant Classification Process June 2021. Collection method: clinical testing. Allele origin: germline. Affected: yes.

Illumina Laboratory Services, Illumina
Classification: Uncertain significance for Hereditary spastic paraplegia 15. Last evaluated: 2018-01-13. Review status: criteria provided, single submitter. Criteria: ICSL Variant Classification Criteria 13 December 2019. Collection method: clinical testing. Allele origin: germline.

Literature cited by the submitters: PubMed 28362824 (cited by Athena Diagnostics).

NM_015346.4(ZFYVE26):c.7055C>T (p.Thr2352Ile)

Gene: ZFYVE26 (zinc finger FYVE-type containing 26; minus strand). Cytogenetic location: 14q24.1.
Variant type: single nucleotide variant.
Coding change: c.7055C>T on transcript NM_015346.4 (MANE Select); coding-DNA position 7055, C replaced by T.
Protein change: p.Thr2352Ile; replaces threonine 2352 with isoleucine.
Molecular consequence: missense variant.
Genome position (GRCh38, 1-based): chr14:67,754,144, G>A on the plus strand (C>T on the coding strand, the complement: ZFYVE26 is on the minus strand). VCF-style: chr14-67754144-G-A. GRCh37 (hg19) VCF-style: chr14-68220861-G-A.
Other names: short protein forms T2352I.
Identifiers: ClinVar variation 188338 (VCV000188338.67), dbSNP rs151166497, ClinGen allele CA334653.
Genomic context (GRCh38, chr14:67,754,144, plus strand): 5'-TCCATTTTCATGTGGTTATTTCCAAACAGGGTTGGCAGAGGCAAAGTGGTGATTTGAGAG[G>A]TCCCAGCACTTTCGCACCGATGCAAGAACCTGGTCACTTCCATCTGCAGCTGAAGTGTGT-3'
Protein context (NP_056161.2, residues 2342-2362): RFLHRCESAG[Thr2352Ile]SQITTLPLPT